The following is an entry in ClinVar:

ClinVar aggregate classification (germline): Uncertain significance. Review status: criteria provided, multiple submitters, no conflicts (2 of 4 stars). 2 submissions from 2 submitters: Uncertain significance (2). Last evaluated 2024-04-22.

Conditions:
Hereditary cancer-predisposing syndrome. Also called: Hereditary Cancer Syndrome; Neoplastic Syndromes, Hereditary; Tumor predisposition; Hereditary neoplastic syndrome. Identifiers: Orphanet 140162, MedGen C0027672, MeSH D009386, MONDO:0015356.
Hereditary nonpolyposis colorectal neoplasms. Identifiers: MedGen C0009405, MeSH D003123.

Submissions (2):

Labcorp Genetics (formerly Invitae), Labcorp
Classification: Uncertain significance for Hereditary nonpolyposis colorectal neoplasms. Last evaluated: 2024-04-22. Review status: criteria provided, single submitter. Criteria: Invitae Variant Classification Sherloc (09022015). Collection method: clinical testing. Allele origin: germline.
Comment: This sequence change replaces arginine, which is basic and polar, with serine, which is neutral and polar, at codon 1217 of the MSH6 protein (p.Arg1217Ser). This variant is not present in population databases (gnomAD no frequency). This variant has not been reported in the literature in individuals affected with MSH6-related conditions. ClinVar contains an entry for this variant (Variation ID: 479908). Advanced modeling of protein sequence and biophysical properties (such as structural, functional, and spatial information, amino acid conservation, physicochemical variation, residue mobility, and thermodynamic stability) performed at Invitae indicates that this missense variant is expected to disrupt MSH6 protein function with a positive predictive value of 95%. In summary, the available evidence is currently insufficient to determine the role of this variant in disease. Therefore, it has been classified as a Variant of Uncertain Significance.

Ambry Genetics
Classification: Uncertain significance for Hereditary cancer-predisposing syndrome. Last evaluated: 2016-06-09. Review status: criteria provided, single submitter. Criteria: Ambry Variant Classification Scheme 2023. Collection method: clinical testing. Allele origin: germline.
Comment: The p.R1217S variant (also known as c.3651A>T), located in coding exon 8 of the MSH6 gene, results from an A to T substitution at nucleotide position 3651. The arginine at codon 1217 is replaced by serine, an amino acid with dissimilar properties. This variant was not reported in population based cohorts in the following databases: Database of Single Nucleotide Polymorphisms (dbSNP), NHLBI Exome Sequencing Project (ESP), and 1000 Genomes Project. In the ESP, this variant was not observed in 6503 samples (13006 alleles) with coverage at this position. To date, this alteration has been detected with an allele frequency of approximately 0.001% (greater than 150000 alleles tested) in our clinical cohort. This amino acid position is highly conserved in available vertebrate species. In addition, this alteration is predicted to be deleterious by in silico analysis. In addition, the CoDP in silico tool predicts this alteration is likely to impair molecular function, with a score of 0.997 (Terui H et al. J. Biomed. Sci. 2013;20:25). Since supporting evidence is limited at this time, the clinical significance of this alteration remains unclear.

NM_000179.3(MSH6):c.3651A>T (p.Arg1217Ser)

Gene: MSH6 (mutS homolog 6; plus strand). Cytogenetic location: 2p16.3.
Variant type: single nucleotide variant.
Coding change: c.3651A>T on transcript NM_000179.3 (MANE Select); coding-DNA position 3651, A replaced by T.
Protein change: p.Arg1217Ser; replaces arginine 1217 with serine.
Molecular consequence: missense variant.
Genome position (GRCh38, 1-based): chr2:47,806,208, A>T. VCF-style: chr2-47806208-A-T. GRCh37 (hg19) VCF-style: chr2-48033347-A-T.
Other names: c.3261A>T, p.Arg1087Ser (NM_001281492.2); c.2745A>T, p.Arg915Ser (NM_001281493.2, NM_001281494.2); short protein forms R1217S, R1087S, R915S.
Identifiers: ClinVar variation 479908 (VCV000479908.13), dbSNP rs1553332966, ClinGen allele CA346760818.
Genomic context (GRCh38, chr2:47,806,208, plus strand): 5'-CCTTTTTTGTTTTAATTCCTTTGAGTTACTTCCTTATGCATATTTTACTTTAACAGGAAG[A>T]GGTACTGCAACATTTGATGGGACGGCAATAGCAAATGCAGTTGTTAAAGAACTTGCTGAG-3'
Protein context (NP_000170.1, residues 1207-1227): HSLVLVDELG[Arg1217Ser]GTATFDGTAI